The following is an entry in ClinVar:

NM_001458.5(FLNC):c.6799G>A (p.Val2267Ile)

Genes: FLNC (filamin C; plus strand), FLNC-AS1 (FLNC antisense RNA 1; minus strand). Cytogenetic location: 7q32.1.
Variant type: single nucleotide variant.
Coding change: c.6799G>A on transcript NM_001458.5 (MANE Select); coding-DNA position 6799, G replaced by A.
Protein change: p.Val2267Ile; replaces valine 2267 with isoleucine.
Molecular consequence: missense variant.
Genome position (GRCh38, 1-based): chr7:128,854,484, G>A. VCF-style: chr7-128854484-G-A. GRCh37 (hg19) VCF-style: chr7-128494538-G-A.
Other names: c.6700G>A, p.Val2234Ile (NM_001127487.2); short protein forms V2267I, V2234I.
Identifiers: ClinVar variation 450440 (VCV000450440.15), dbSNP rs758080422, ClinGen allele CA4476092.

ClinVar aggregate classification (germline): Conflicting classifications of pathogenicity. Review status: criteria provided, conflicting classifications (1 of 4 stars). 6 submissions from 6 submitters: Uncertain significance (4); Likely benign (2). Last evaluated 2026-06-18.

Conditions:
FLNC-related disorder. Also called: FLNC-related disorders; FLNC-related condition.
Myofibrillar myopathy 5. Also called: FILAMINOPATHY, AUTOSOMAL DOMINANT; Filaminopathy (type). Identifiers: Orphanet 171445, MedGen C1836050, MONDO:0012289, OMIM 609524.
Hypertrophic cardiomyopathy 26. Also called: Cardiomyopathy, familial hypertrophic, 26. Identifiers: Orphanet 75249, MedGen C4310749, MONDO:0014883, OMIM 617047.
Distal myopathy with posterior leg and anterior hand involvement. Also called: WILLIAMS DISTAL MYOPATHY. Identifiers: Orphanet 63273, MedGen C3279722, MONDO:0013550, OMIM 614065.
Cardiovascular phenotype. Identifiers: MedGen CN230736.

Allele frequency attached by ClinVar (database versions not stated): TOPMed 0.00002; gnomAD exomes 0.00003; ExAC 0.00005.
gnomAD v4.1: 45 of 1,607,254 alleles (0.0028%); highest among the groups gnomAD compares: Middle Eastern, 0.034%; no homozygotes.

Submissions (6):

PreventionGenetics, part of Exact Sciences
Classification: Uncertain significance for FLNC-related condition. Last evaluated: 2026-06-18. Review status: criteria provided, single submitter. Criteria: ACMG Guidelines, 2015. Collection method: clinical testing. Allele origin: germline.
Comment: The FLNC c.6799G>A variant is predicted to result in the amino acid substitution p.Val2267Ile. This variant has been reported in the heterozygous state as uncertain in an individual with congenital myopathy (Savarese et al. 2014. PubMed ID: 25214167). This variant is reported in 0.0067% of alleles in individuals of European (Non-Finnish) descent in gnomAD and has conflicting interpretations in ClinVar ranging from likely benign to uncertain (Variation ID: 450440). At this time, the clinical significance of this variant is uncertain due to the absence of conclusive functional and genetic evidence.

Labcorp Genetics (formerly Invitae), Labcorp
Classification: Likely benign for Distal myopathy with posterior leg and anterior hand involvement; Myofibrillar myopathy 5; Hypertrophic cardiomyopathy 26. Last evaluated: 2025-10-02. Review status: criteria provided, single submitter. Criteria: Invitae Variant Classification Sherloc (09022015). Collection method: clinical testing. Allele origin: germline.

Molecular Diagnostic Laboratory for Inherited Cardiovascular Disease, Montreal Heart Institute
Classification: Uncertain significance for Cardiovascular phenotype. Last evaluated: 2025-04-09. Review status: criteria provided, single submitter. Criteria: ACMG Guidelines, 2015. Collection method: clinical testing. Allele origin: germline. Affected: yes.

Ambry Genetics
Classification: Likely benign for Cardiovascular phenotype. Last evaluated: 2024-09-04. Review status: criteria provided, single submitter. Criteria: Ambry Variant Classification Scheme 2023. Collection method: clinical testing. Allele origin: germline.

Fulgent Genetics
Classification: Uncertain significance for Myofibrillar myopathy 5; Distal myopathy with posterior leg and anterior hand involvement; Hypertrophic cardiomyopathy 26. Last evaluated: 2021-09-01. Review status: criteria provided, single submitter. Criteria: ACMG Guidelines, 2015. Collection method: clinical testing. Allele origin: unknown.

GeneDx
Classification: Uncertain significance. Last evaluated: 2018-09-17. Review status: criteria provided, single submitter. Criteria: GeneDx Variant Classification (06012015). Collection method: clinical testing. Allele origin: germline. Affected: yes.
Comment: A variant of uncertain significance has been identified in the FLNC gene. The V2267I variant has previously been reported in an individual with nemaline myopathy, however, additional detailed clinical information and segregation analysis was not provided (Savarese et al., 2014). This variant is observed in 7/102,928 alleles from individuals of European (non-Finnish) ancestry in large population cohorts (Lek et al., 2016). V2267I is a conservative amino acid substitution, which is not likely to impact secondary protein structure as these residues share similar properties. Furthermore, in-silico analyses, including protein predictors and evolutionary conservation, support that this variant does not alter protein structure/function. Therefore, based on the currently available information, it is unclear whether this variant is pathogenic or benign.